The following is an entry in ClinVar:

NM_000038.6(APC):c.7737A>G (p.Glu2579=)

Gene: APC (APC regulator of Wnt signaling pathway; plus strand). Cytogenetic location: 5q22.2.
Variant type: single nucleotide variant.
Coding change: c.7737A>G on transcript NM_000038.6 (MANE Select); coding-DNA position 7737, A replaced by G.
Protein change: p.Glu2579=; no amino-acid change (glutamic acid 2579 retained).
Molecular consequence: synonymous variant.
Genome position (GRCh38, 1-based): chr5:112,843,331, A>G. VCF-style: chr5-112843331-A-G. GRCh37 (hg19) VCF-style: chr5-112179028-A-G.
Other names: c.7737A>G, p.Glu2579= (NM_001127510.3, NM_001354895.2); c.7683A>G, p.Glu2561= (NM_001127511.3); c.7791A>G, p.Glu2597= (NM_001354896.2); c.7767A>G, p.Glu2589= (NM_001354897.2); c.7662A>G, p.Glu2554= (NM_001354898.2); c.7653A>G, p.Glu2551= (NM_001354899.2); c.7614A>G, p.Glu2538= (NM_001354900.2); c.7560A>G, p.Glu2520= (NM_001354901.2); and 5 more.
Identifiers: ClinVar variation 827230 (VCV000827230.12), dbSNP rs1268173614, ClinGen allele CA446211182.

ClinVar aggregate classification (germline): Likely benign. Review status: criteria provided, multiple submitters, no conflicts (2 of 4 stars). 2 submissions from 2 submitters: Likely benign (2). Last evaluated 2025-08-01.

Conditions:
Hereditary cancer-predisposing syndrome. Also called: Hereditary Cancer Syndrome; Neoplastic Syndromes, Hereditary; Tumor predisposition; Hereditary neoplastic syndrome. Identifiers: Orphanet 140162, MedGen C0027672, MeSH D009386, MONDO:0015356.

Allele frequency attached by ClinVar (database versions not stated): gnomAD exomes below 0.00001.
gnomAD v4.1: 4 of 1,613,910 alleles (0.00025%); highest among the groups gnomAD compares: Non-Finnish European, 0.00034%; no homozygotes.

Submissions (2):

CeGaT Center for Human Genetics Tuebingen
Classification: Likely benign. Last evaluated: 2025-08-01. Review status: criteria provided, single submitter. Criteria: CeGaT Center For Human Genetics Tuebingen Variant Classification Criteria Version 2. Collection method: clinical testing. Allele origin: germline. Affected: yes. Observed: 1 variant allele.
Comment: APC: BP4, BP7

Ambry Genetics
Classification: Likely benign for Hereditary cancer-predisposing syndrome. Last evaluated: 2019-06-15. Review status: criteria provided, single submitter. Criteria: Ambry Variant Classification Scheme 2023. Collection method: clinical testing. Allele origin: germline.